The following is an entry in ClinVar:

NM_152743.4(BRAT1):c.488C>T (p.Ala163Val)

Gene: BRAT1 (BRCA1 associated ATM activator 1; minus strand). Cytogenetic location: 7p22.3.
Variant type: single nucleotide variant.
Coding change: c.488C>T on transcript NM_152743.4 (MANE Select); coding-DNA position 488, C replaced by T.
Protein change: p.Ala163Val; replaces alanine 163 with valine.
Molecular consequence: missense variant. On other transcripts: 5 prime UTR variant (1), non-coding transcript variant (1).
Genome position (GRCh38, 1-based): chr7:2,543,905, G>A on the plus strand (C>T on the coding strand, the complement: BRAT1 is on the minus strand). VCF-style: chr7-2543905-G-A. GRCh37 (hg19) VCF-style: chr7-2583539-G-A.
Other names: c.488C>T, p.Ala163Val (NM_001350626.2); c.-38C>T (NM_001350627.2); short protein forms A163V.
Identifiers: ClinVar variation 947195 (VCV000947195.8), dbSNP rs766864373, ClinGen allele CA4128185.
Genomic context (GRCh38, chr7:2,543,905, plus strand): 5'-TGCCCCTCGGCTCCACCTCGCATGGACAAAGCCAGGACGTGCACCAGGAGCTGACTGGCC[G>A]CCGAGGCCACAAACAGGCTGGAGTCTCCCTGCAGGGAGAAGATGGTGTCGACCGCACCTG-3'
Protein context (NP_689956.2, residues 153-173): QGDSSLFVAS[Ala163Val]ASQLLVHVLA

ClinVar aggregate classification (germline): Uncertain significance. Review status: criteria provided, multiple submitters, no conflicts (2 of 4 stars). 2 submissions from 2 submitters: Uncertain significance (2). Last evaluated 2025-08-28.

Conditions:
Inborn genetic diseases. Identifiers: MedGen C0950123, MeSH D030342.
Neonatal-onset encephalopathy with rigidity and seizures. Also called: Lethal neonatal spasticity-epileptic encephalopathy syndrome. Identifiers: Orphanet 435845, MedGen C3281029, MONDO:0013784, OMIM 614498.

Allele frequency attached by ClinVar (database versions not stated): gnomAD 0.00001; gnomAD exomes 0.00001; TOPMed 0.00001; ExAC 0.00002.
gnomAD v4.1: 13 of 1,606,876 alleles (0.00081%); highest among the groups gnomAD compares: Admixed American, 0.0017%; no homozygotes.

Submissions (2):

Ambry Genetics
Classification: Uncertain significance for Inborn genetic diseases. Last evaluated: 2025-08-28. Review status: criteria provided, single submitter. Criteria: Ambry Variant Classification Scheme 2023. Collection method: clinical testing. Allele origin: germline.

Labcorp Genetics (formerly Invitae), Labcorp
Classification: Uncertain significance for Neonatal-onset encephalopathy with rigidity and seizures. Last evaluated: 2022-02-02. Review status: criteria provided, single submitter. Criteria: Invitae Variant Classification Sherloc (09022015). Collection method: clinical testing. Allele origin: germline.
Comment: In summary, the available evidence is currently insufficient to determine the role of this variant in disease. Therefore, it has been classified as a Variant of Uncertain Significance. Algorithms developed to predict the effect of missense changes on protein structure and function (SIFT, PolyPhen-2, Align-GVGD) all suggest that this variant is likely to be disruptive. ClinVar contains an entry for this variant (Variation ID: 947195). This variant has not been reported in the literature in individuals affected with BRAT1-related conditions. This variant is present in population databases (rs766864373, gnomAD 0.003%). This sequence change replaces alanine, which is neutral and non-polar, with valine, which is neutral and non-polar, at codon 163 of the BRAT1 protein (p.Ala163Val).